The following is an entry in ClinVar:

NM_006766.5(KAT6A):c.2135G>A (p.Ser712Asn)

Gene: KAT6A (lysine acetyltransferase 6A; minus strand). Cytogenetic location: 8p11.21.
Variant type: single nucleotide variant.
Coding change: c.2135G>A on transcript NM_006766.5 (MANE Select); coding-DNA position 2135, G replaced by A.
Protein change: p.Ser712Asn; replaces serine 712 with asparagine.
Molecular consequence: missense variant.
Genome position (GRCh38, 1-based): chr8:41,943,841, C>T on the plus strand (G>A on the coding strand, the complement: KAT6A is on the minus strand). VCF-style: chr8-41943841-C-T. GRCh37 (hg19) VCF-style: chr8-41801359-C-T.
Other names: c.2135G>A, p.Ser712Asn (NM_001305878.2); c.2135G>A (NM_006766.4); short protein forms S712N.
Identifiers: ClinVar variation 1328184 (VCV001328184.5), dbSNP rs2150863487, ClinGen allele CA371073164.

ClinVar aggregate classification (germline): Uncertain significance (1 of 4 stars; one submission).

Conditions:
Autosomal dominant intellectual disability-craniofacial anomalies-cardiac defects syndrome (ARTHS). Also called: Arboleda-Tham syndrome; Mental retardation, autosomal dominant 32; KAT6A syndrome. Identifiers: Orphanet 457193, MedGen C4225396, MONDO:0014558, OMIM 616268.

Submission:

Illumina Laboratory Services, Illumina
Classification: Uncertain significance for Autosomal dominant intellectual disability-craniofacial anomalies-cardiac defects syndrome. Last evaluated: 2021-08-27. Review status: criteria provided, single submitter. Criteria: ICSLVariantClassificationCriteria RUGD 01 April 2020. Collection method: clinical testing. Allele origin: unknown.
Comment: The KAT6A c.2135G>A (p.Ser712Asn) variant is a missense variant. A literature search was performed for the gene, cDNA change, and amino acid change. No publications were found based on this search. This variant is not found in version 2.1.1 or version 3.1.1 of the Genome Aggregation Database despite its location in a region of good sequencing coverage, which suggests the variant is rare. Based on the available evidence, the p.Ser712Asn variant is classified as a variant of uncertain significance for KAT6A syndrome.